The following is an entry in ClinVar:

NM_014633.5(CTR9):c.3370G>C (p.Ala1124Pro)

Gene: CTR9 (CTR9 component of Paf1/RNA polymerase II complex; plus strand). Cytogenetic location: 11p15.4.
Variant type: single nucleotide variant.
Coding change: c.3370G>C on transcript NM_014633.5 (MANE Select); coding-DNA position 3370, G replaced by C.
Protein change: p.Ala1124Pro; replaces alanine 1124 with proline.
Molecular consequence: missense variant.
Genome position (GRCh38, 1-based): chr11:10,778,953, G>C. VCF-style: chr11-10778953-G-C. GRCh37 (hg19) VCF-style: chr11-10800500-G-C.
Other names: c.3298G>C, p.Ala1100Pro (NM_001346279.2); short protein forms A1124P, A1100P.
Identifiers: ClinVar variation 2089955 (VCV002089955.4), dbSNP rs1863287116, ClinGen allele CA379679631.
Genomic context (GRCh38, chr11:10,778,953, plus strand): 5'-AATGAATCTGTGCAGTCAGGGAGAAGCCACTCAGGAGTTTCTGAGAACGACTCTCGCCCA[G>C]CTTCTCCAAGTGCCGAATCAGATCACGAATCGGAGAGAGGATCTGATAATGAGGGTTCTG-3'
Protein context (NP_055448.1, residues 1114-1134): SGVSENDSRP[Ala1124Pro]SPSAESDHES

ClinVar aggregate classification (germline): Uncertain significance (1 of 4 stars; one submission).

Submission:

Labcorp Genetics (formerly Invitae), Labcorp
Classification: Uncertain significance. Last evaluated: 2022-01-26. Review status: criteria provided, single submitter. Criteria: Invitae Variant Classification Sherloc (09022015). Collection method: clinical testing. Allele origin: germline.
Comment: In summary, the available evidence is currently insufficient to determine the role of this variant in disease. Therefore, it has been classified as a Variant of Uncertain Significance. Algorithms developed to predict the effect of missense changes on protein structure and function are either unavailable or do not agree on the potential impact of this missense change (SIFT: "Tolerated"; PolyPhen-2: "Possibly Damaging"; Align-GVGD: "Class C0"). This variant has not been reported in the literature in individuals affected with CTR9-related conditions. This variant is not present in population databases (gnomAD no frequency). This sequence change replaces alanine, which is neutral and non-polar, with proline, which is neutral and non-polar, at codon 1124 of the CTR9 protein (p.Ala1124Pro).